The following is an entry in ClinVar:

ClinVar aggregate classification (germline): Uncertain significance. Review status: criteria provided, multiple submitters, no conflicts (2 of 4 stars). 2 submissions from 2 submitters: Uncertain significance (2). Last evaluated 2024-02-02.

Conditions:
Rhabdoid tumor predisposition syndrome 2 (RTPS2). Identifiers: Orphanet 231108, Orphanet 69077, MedGen C2750074, MONDO:0013224, OMIM 613325.
Hereditary cancer-predisposing syndrome. Also called: Neoplastic Syndromes, Hereditary; Hereditary Cancer Syndrome; Hereditary neoplastic syndrome; Tumor predisposition. Identifiers: Orphanet 140162, MedGen C0027672, MeSH D009386, MONDO:0015356.

Allele frequency attached by ClinVar (database versions not stated): gnomAD exomes below 0.00001; TOPMed below 0.00001; gnomAD 0.00001.
gnomAD v4.1: 2 of 1,612,912 alleles (0.00012%); highest among the groups gnomAD compares: African/African-American, 0.0027%; no homozygotes.

Submissions (2):

Ambry Genetics
Classification: Uncertain significance for Hereditary cancer-predisposing syndrome. Last evaluated: 2024-02-02. Review status: criteria provided, single submitter. Criteria: Ambry Variant Classification Scheme 2023. Collection method: clinical testing. Allele origin: germline.
Comment: The p.R1374C variant (also known as c.4120C>T), located in coding exon 28 of the SMARCA4 gene, results from a C to T substitution at nucleotide position 4120. The arginine at codon 1374 is replaced by cysteine, an amino acid with highly dissimilar properties. This amino acid position is highly conserved in available vertebrate species. In addition, this alteration is predicted to be deleterious by in silico analysis. Based on the available evidence, the clinical significance of this alteration remains unclear.

Labcorp Genetics (formerly Invitae), Labcorp
Classification: Uncertain significance for Rhabdoid tumor predisposition syndrome 2. Last evaluated: 2023-03-04. Review status: criteria provided, single submitter. Criteria: Invitae Variant Classification Sherloc (09022015). Collection method: clinical testing. Allele origin: germline.
Comment: This sequence change replaces arginine, which is basic and polar, with cysteine, which is neutral and slightly polar, at codon 1374 of the SMARCA4 protein (p.Arg1374Cys). This variant is not present in population databases (gnomAD no frequency). This variant has not been reported in the literature in individuals affected with SMARCA4-related conditions. Advanced modeling of protein sequence and biophysical properties (such as structural, functional, and spatial information, amino acid conservation, physicochemical variation, residue mobility, and thermodynamic stability) performed at Invitae indicates that this missense variant is expected to disrupt SMARCA4 protein function. In summary, the available evidence is currently insufficient to determine the role of this variant in disease. Therefore, it has been classified as a Variant of Uncertain Significance.

NM_003072.5(SMARCA4):c.4120C>T (p.Arg1374Cys)

Gene: SMARCA4 (SWI/SNF related BAF chromatin remodeling complex subunit ATPase 4; plus strand). Cytogenetic location: 19p13.2.
Variant type: single nucleotide variant.
Coding change: c.4120C>T on transcript NM_003072.5 (MANE Select); coding-DNA position 4120, C replaced by T.
Protein change: p.Arg1374Cys; replaces arginine 1374 with cysteine.
Molecular consequence: missense variant. On other transcripts: non-coding transcript variant (1).
Genome position (GRCh38, 1-based): chr19:11,035,082, C>T. VCF-style: chr19-11035082-C-T. GRCh37 (hg19) VCF-style: chr19-11145758-C-T.
Other names: c.4120C>T, p.Arg1374Cys (NM_001128844.3, NM_001128849.3, NM_001387283.1); c.4021C>T, p.Arg1341Cys (NM_001128845.2, NM_001128846.2, NM_001128847.4 and 3 more transcripts); c.4120C>T (NM_001128849.1); short protein forms R1341C, R1374C.
Identifiers: ClinVar variation 2842770 (VCV002842770.3), dbSNP rs1447890611, ClinGen allele CA404068443.